The following is an entry in ClinVar:

NM_000070.3(CAPN3):c.1855C>T (p.Gln619Ter)

Gene: CAPN3 (calpain 3; plus strand). Cytogenetic location: 15q15.1.
Variant type: single nucleotide variant.
Coding change: c.1855C>T on transcript NM_000070.3 (MANE Select); coding-DNA position 1855, C replaced by T.
Protein change: p.Gln619Ter; replaces glutamine 619 with a stop codon.
Molecular consequence: nonsense. On other transcripts: intron variant (3).
Genome position (GRCh38, 1-based): chr15:42,408,265, C>T. VCF-style: chr15-42408265-C-T. GRCh37 (hg19) VCF-style: chr15-42700463-C-T.
Other names: NM_000070.3(CAPN3):c.1855C>T; p.Gln619Ter; c.1837C>T, p.Gln613Ter (NM_024344.2); c.319C>T, p.Gln107Ter (NM_173088.2); c.1639-1038C>T (NM_173087.2); c.-81-1038C>T (NM_173090.2, NM_173089.2); short protein forms Q619*, Q107*, Q613*.
Identifiers: ClinVar variation 595306 (VCV000595306.16), dbSNP rs1566983844, ClinGen allele CA392000775.

ClinVar aggregate classification (germline): Likely pathogenic. Review status: reviewed by expert panel (3 of 4 stars). 5 submissions from 5 submitters: Likely pathogenic (1). 4 of the submissions do not count toward it. Last evaluated 2025-10-28.

Conditions:
Muscular dystrophy, limb-girdle, autosomal dominant 4. Also called: MUSCULAR DYSTROPHY, LIMB-GIRDLE, TYPE 1I; Calpain-3-related limb-girdle muscular dystrophy D4. Identifiers: Orphanet 565909, MedGen C4748295, MONDO:0029133, OMIM 618129.
Autosomal recessive limb-girdle muscular dystrophy type 2A (LGMDR1). Also called: Limb-girdle muscular dystrophy, type 2A; Muscular dystrophy, limb-girdle, type 2A, Amish; LEYDEN-MOEBIUS MUSCULAR DYSTROPHY; MUSCULAR DYSTROPHY, PELVOFEMORAL; Calpainopathy. Identifiers: Orphanet 267, MedGen C1869123, MONDO:0009675, OMIM 253600. Disease mechanism: loss of function.
Autosomal recessive limb-girdle muscular dystrophy. Identifiers: Orphanet 102015, MedGen C2931907, MONDO:0015152.

Submissions (5):

ClinGen Limb Girdle Muscular Dystrophy Variant Curation Expert Panel, ClinGen
Classification: Likely pathogenic for Autosomal recessive limb-girdle muscular dystrophy. Last evaluated: 2025-10-28. Review status: reviewed by expert panel. Criteria: ClinGen LGMD VCEP ACMG Specifications CAPN3 V2.0.0. Collection method: curation. Allele origin: germline. Inheritance: Autosomal recessive inheritance.
Comment: The NM_000070.3: c.1855C>T variant in CAPN3 is a nonsense variant predicted to cause a premature stop codon in biologically relevant exon 16/24, p.(Gln619Ter), leading to nonsense mediated decay in a gene in which loss of function is an established disease mechanism. However, this variant may also disrupt splicing, with a SpliceAI score of 0.64 for donor loss and 0.58 for acceptor loss, suggesting that in-frame skipping of exon 16 may occur. (PVS1_Strong) This variant has been reported in at least 6 patients with features of LGMD (PMID: 25135358, 37974208, 32994280; ClinVar SCV001385372.6 internal data communication), including in a homozygous state in two unrelated individuals with a clinical diagnosis of LGMD and no reported familial consanguinity (0.5 pts x2, ClinVar SCV001385372.6 internal data communication) (PM3). At least one individual with this variant and a second presumed diagnostic CAPN3 allele displayed progressive limb girdle muscle weakness or had a clinical suspicion of LGMD (PMID: 37974208; PP4). This variant is absent from gnomAD v.4.1.0, meeting the criteria for PM2_Supporting. In summary, this variant meets the criteria to be classified as Likely pathogenic for autosomal recessive limb girdle muscular dystrophy based on the ACMG/AMP criteria applied, as specified by the ClinGen LGMD VCEP (LGMD VCEP specifications version 2.0.0; 10/28/2025): PVS1_Strong, PM3, PP4, PM2_Supporting.

Natera, Inc.
Classification: Pathogenic for Limb-girdle muscular dystrophy type 2A. Last evaluated: 2024-11-14. Review status: criteria provided, single submitter. Criteria: Natera Variant Classification Schema (03/2026). Collection method: clinical testing. Allele origin: germline. Not counted in ClinVar's aggregate classification.
Comment: The c.1855C>T variant in CAPN3 is a nonsense variant predicted to introduce a stop codon at amino acid 619. This variant is expected to result in nonsense mediated decay, truncation, or a dysfunctional protein product. This variant is rare in the general population with a frequency below the threshold expected for the associated phenotype(s). This variant has been observed in one or more individuals affected with the associated recessive disease, as either homozygous or compound heterozygous with a second variant (PMID: 37974208, 25135358). Given the available evidence, this variant is classified as Pathogenic.

Labcorp Genetics (formerly Invitae), Labcorp
Classification: Pathogenic for Autosomal recessive limb-girdle muscular dystrophy type 2A. Last evaluated: 2024-05-20. Review status: criteria provided, single submitter. Criteria: Invitae Variant Classification Sherloc (09022015). Collection method: clinical testing. Allele origin: germline. Not counted in ClinVar's aggregate classification.
Comment: This sequence change creates a premature translational stop signal (p.Gln619*) in the CAPN3 gene. It is expected to result in an absent or disrupted protein product. Loss-of-function variants in CAPN3 are known to be pathogenic (PMID: 10330340, 15689361). This variant is not present in population databases (gnomAD no frequency). This premature translational stop signal has been observed in individual(s) with limb-girdle muscular dystrophy (PMID: 25135358). ClinVar contains an entry for this variant (Variation ID: 595306). Algorithms developed to predict the effect of sequence changes on RNA splicing suggest that this variant may disrupt the consensus splice site. For these reasons, this variant has been classified as Pathogenic.

Baylor Genetics
Classification: Pathogenic for Muscular dystrophy, limb-girdle, autosomal dominant 4. Last evaluated: 2023-10-20. Review status: criteria provided, single submitter. Criteria: ACMG Guidelines, 2015. Collection method: clinical testing. Allele origin: unknown. Not counted in ClinVar's aggregate classification.

Eurofins Ntd Llc (ga)
Classification: Pathogenic. Last evaluated: 2017-12-11. Review status: criteria provided, single submitter. Criteria: EGL Classification Definitions 2015. Collection method: clinical testing. Allele origin: germline. Observed: 1 variant allele, 1 homozygote. Not counted in ClinVar's aggregate classification.

Literature cited by the submitters: PubMed 37974208 (cited by Natera, Inc.); PubMed 25135358 (cited by Natera, Inc. and Labcorp Genetics (formerly Invitae), Labcorp); PubMed 10330340 (cited by Labcorp Genetics (formerly Invitae), Labcorp); PubMed 15689361 (cited by Labcorp Genetics (formerly Invitae), Labcorp).